The following is an entry in ClinVar:

ClinVar aggregate classification (germline): Uncertain significance (1 of 4 stars; one submission).

Submission:

GeneDx
Classification: Uncertain significance. Last evaluated: 2021-04-19. Review status: criteria provided, single submitter. Criteria: GeneDx Variant Classification Process June 2021. Collection method: clinical testing. Allele origin: germline. Affected: yes.
Comment: Not observed in large population cohorts (Lek et al., 2016); In-frame deletion of 10 amino acids in a repeat region; Has not been previously published as pathogenic or benign to our knowledge

NM_001378454.1(ALMS1):c.36GGA[4] (p.Glu20_Glu28del)

Gene: ALMS1 (ALMS1 centrosome and basal body associated protein; plus strand). Cytogenetic location: 2p13.1.
Variant type: Microsatellite.
Coding change: c.36GGA[4] on transcript NM_001378454.1 (MANE Select); four copies in a row of the 3-base unit GGA starting at c.36; the reference has 13 copies in a row; nine copies, 27 bases deleted.
Protein change: p.Glu20_Glu28del.
Molecular consequence: inframe deletion.
Genome position (GRCh38, 1-based): chr2:73,385,916-73,385,942, GGAGGAGGAGGAGGAGGAGGAGGAGGA deleted; deleting any 27 consecutive bases within chr2:73,385,904-73,385,942 gives the same sequence; the position shown is the placement nearest the transcript's 3' end. VCF-style (leftmost placement, unchanged base first): chr2-73385903-TGGAGGAGGAGGAGGAGGAGGAGGAGGA-T. GRCh37 (hg19) VCF-style: chr2-73613031-TGGAGGAGGAGGAGGAGGAGGAGGAGGA-T.
Other names: c.36GGA[5], p.Glu21_Glu29del (NM_015120.4); c.48_77del (NM_015120.4).
Identifiers: ClinVar variation 1314777 (VCV001314777.2), dbSNP rs55889738, ClinGen allele CA1032199611.